The following is an entry in ClinVar:

ClinVar aggregate classification (germline): Uncertain significance (1 of 4 stars; one submission).

Allele frequency attached by ClinVar (database versions not stated): gnomAD exomes below 0.00001; TOPMed below 0.00001; ExAC 0.00001.

Submission:

Labcorp Genetics (formerly Invitae), Labcorp
Classification: Uncertain significance. Last evaluated: 2024-07-29. Review status: criteria provided, single submitter. Criteria: Invitae Variant Classification Sherloc (09022015). Collection method: clinical testing. Allele origin: germline.
Comment: This sequence change results in a frameshift in the ITGAM gene (p.Pro1147Argfs*124). While this is not anticipated to result in nonsense mediated decay, it is expected to disrupt the last 6 amino acid(s) of the ITGAM protein and extend the protein by 117 additional amino acid residues. This variant is present in population databases (rs753196295, gnomAD 0.003%). This variant has not been reported in the literature in individuals affected with ITGAM-related conditions. ClinVar contains an entry for this variant (Variation ID: 2161276). Experimental studies and prediction algorithms are not available or were not evaluated, and the functional significance of this variant is currently unknown. In summary, the available evidence is currently insufficient to determine the role of this variant in disease. Therefore, it has been classified as a Variant of Uncertain Significance.

NM_000632.4(ITGAM):c.3435del (p.Pro1147fs)

Gene: ITGAM (integrin subunit alpha M; plus strand). Cytogenetic location: 16p11.2.
Variant type: Deletion.
Coding change: c.3435del on transcript NM_000632.4 (MANE Select); coding-DNA position 3435, one base deleted (T; older notation c.3435delT).
Protein change: p.Pro1147fs; shifts the reading frame from proline 1147.
Molecular consequence: frameshift variant.
Genome position (GRCh38, 1-based): chr16:31,331,683, T deleted. VCF-style (leftmost placement, unchanged base first): chr16-31331682-GT-G. GRCh37 (hg19) VCF-style: chr16-31343003-GT-G.
Other names: c.3438del, p.Pro1148fs (NM_001145808.2); short protein forms P1147fs, P1148fs.
Identifiers: ClinVar variation 2161276 (VCV002161276.4), dbSNP rs753196295, ClinGen allele CA8026246.